The following is an entry in ClinVar:

NM_032043.3(BRIP1):c.2873T>C (p.Leu958Pro)

Gene: BRIP1 (BRCA1 interacting DNA helicase 1; minus strand). Cytogenetic location: 17q23.2.
Variant type: single nucleotide variant.
Coding change: c.2873T>C on transcript NM_032043.3 (MANE Select); coding-DNA position 2873, T replaced by C.
Protein change: p.Leu958Pro; replaces leucine 958 with proline.
Molecular consequence: missense variant.
Genome position (GRCh38, 1-based): chr17:61,685,868, A>G on the plus strand (T>C on the coding strand, the complement: BRIP1 is on the minus strand). VCF-style: chr17-61685868-A-G. GRCh37 (hg19) VCF-style: chr17-59763229-A-G.
Other names: short protein forms L958P.
Identifiers: ClinVar variation 1058434 (VCV001058434.10), dbSNP rs145859791, ClinGen allele CA400481230.

ClinVar aggregate classification (germline): Uncertain significance (1 of 4 stars; one submission).

Conditions:
Familial cancer of breast. Also called: hereditary breast carcinoma; BREAST CANCER, FAMILIAL; Hereditary breast cancer. Identifiers: Orphanet 227535, MedGen C0346153, MONDO:0016419, OMIM 114480. Disease mechanism: loss of function.
Fanconi anemia complementation group J. Also called: BRIP1-Related Fanconi Anemia. Identifiers: Orphanet 84, MedGen C1836860, MONDO:0012187, OMIM 609054.

Submission:

Labcorp Genetics (formerly Invitae), Labcorp
Classification: Uncertain significance for Familial cancer of breast; Fanconi anemia complementation group J. Last evaluated: 2020-09-25. Review status: criteria provided, single submitter. Criteria: Invitae Variant Classification Sherloc (09022015). Collection method: clinical testing. Allele origin: germline.
Comment: Algorithms developed to predict the effect of missense changes on protein structure and function output the following: SIFT: "Tolerated"; PolyPhen-2: "Benign"; Align-GVGD: "Class C0". The proline amino acid residue is found in multiple mammalian species, suggesting that this missense change does not adversely affect protein function. These predictions have not been confirmed by published functional studies and their clinical significance is uncertain. In summary, the available evidence is currently insufficient to determine the role of this variant in disease. Therefore, it has been classified as a Variant of Uncertain Significance. This variant has not been reported in the literature in individuals with BRIP1-related conditions. This sequence change replaces leucine with proline at codon 958 of the BRIP1 protein (p.Leu958Pro). The leucine residue is weakly conserved and there is a moderate physicochemical difference between leucine and proline. This variant is not present in population databases (ExAC no frequency).